The following is an entry in ClinVar:

ClinVar aggregate classification (germline): Pathogenic/Likely pathogenic. Review status: criteria provided, multiple submitters, no conflicts (2 of 4 stars). 3 submissions from 3 submitters: Pathogenic (1); Likely pathogenic (1). 1 of the submissions does not count toward it. Last evaluated 2023-07-25.

Conditions:
Autosomal recessive congenital ichthyosis 1 (LI1). Also called: ICHTHYOSIS, CONGENITAL, AUTOSOMAL RECESSIVE 1, WITH BATHING SUIT DISTRIBUTION; ICHTHYOSIS, CONGENITAL, AUTOSOMAL RECESSIVE 1, WITH OR WITHOUT BATHING SUIT DISTRIBUTION; COLLODION FETUS; DESQUAMATION OF NEWBORN; ICHTHYOSIS CONGENITA; ICHTHYOSIS CONGENITA II. Identifiers: MedGen C4551630, MONDO:0009441, OMIM 242300.

gnomAD v4.1: 1 of 1,613,882 alleles (0.000062%); highest among the groups gnomAD compares: South Asian, 0.0011%; no homozygotes.

Submissions (3):

Baylor Genetics
Classification: Likely pathogenic for Autosomal recessive congenital ichthyosis 1. Last evaluated: 2023-07-25. Review status: criteria provided, single submitter. Criteria: ACMG Guidelines, 2015. Collection method: clinical testing. Allele origin: unknown.

GeneDx
Classification: Pathogenic. Last evaluated: 2016-06-08. Review status: criteria provided, single submitter. Criteria: GeneDx Variant Classification (06012015). Collection method: clinical testing. Allele origin: germline. Affected: yes.
Comment: The W44X pathogenic variant in the TGM1 gene has not been reported previously as a pathogenic variant nor as a benign variant, to our knowledge. In addition, the W44X variant was not observed in approximately 6,500 individuals of European and African American ancestry in the NHLBI Exome Sequencing Project, indicating it is not a common benign variant in these populations. This variant is predicted to cause loss of normal protein function either through protein truncation or nonsense-mediated mRNA decay. Other loss-of-function variants downstream of this variant have been previously reported in patients with lamellar ichthyosis according to the Human Gene Mutation Database (Stenson et al., 2014). Therefore, we interpret W44X as a pathogenic variant.

Counsyl
Classification: Likely pathogenic for Autosomal recessive congenital ichthyosis 1. Last evaluated: 2017-04-10. Review status: no assertion criteria provided. Collection method: clinical testing. Allele origin: unknown. Not counted in ClinVar's aggregate classification.

NM_000359.3(TGM1):c.132G>A (p.Trp44Ter)

Gene: TGM1 (transglutaminase 1; minus strand). Cytogenetic location: 14q12.
Variant type: single nucleotide variant.
Coding change: c.132G>A on transcript NM_000359.3 (MANE Select); coding-DNA position 132, G replaced by A.
Protein change: p.Trp44Ter; replaces tryptophan 44 with a stop codon.
Molecular consequence: nonsense.
Genome position (GRCh38, 1-based): chr14:24,262,221, C>T on the plus strand (G>A on the coding strand, the complement: TGM1 is on the minus strand). VCF-style: chr14-24262221-C-T. GRCh37 (hg19) VCF-style: chr14-24731427-C-T.
Other names: short protein forms W44*.
Identifiers: ClinVar variation 265597 (VCV000265597.5), dbSNP rs886039654, ClinGen allele CA10588573.